The following is an entry in ClinVar:

NM_006949.4(STXBP2):c.1681T>C (p.Trp561Arg)

Gene: STXBP2 (syntaxin binding protein 2; plus strand). Cytogenetic location: 19p13.2.
Variant type: single nucleotide variant.
Coding change: c.1681T>C on transcript NM_006949.4 (MANE Select); coding-DNA position 1681, T replaced by C.
Protein change: p.Trp561Arg; replaces tryptophan 561 with arginine.
Molecular consequence: missense variant. On other transcripts: non-coding transcript variant (1).
Genome position (GRCh38, 1-based): chr19:7,647,496, T>C. VCF-style: chr19-7647496-T-C. GRCh37 (hg19) VCF-style: chr19-7712382-T-C.
Other names: c.1672T>C, p.Trp558Arg (NM_001127396.3); c.1714T>C, p.Trp572Arg (NM_001272034.2); short protein forms W558R, W572R, W561R.
Identifiers: ClinVar variation 1041903 (VCV001041903.6), dbSNP rs202167383, ClinGen allele CA9144290.

ClinVar aggregate classification (germline): Uncertain significance (1 of 4 stars; one submission).

Conditions:
Familial hemophagocytic lymphohistiocytosis 5. Also called: STXBP2-Related Familial Hemophagocytic Lymphohistiocytosis (STXBP2-fHLH). Identifiers: Orphanet 540, MedGen C2751293, MONDO:0013135, OMIM 613101.

Allele frequency attached by ClinVar (database versions not stated): gnomAD 0.00001; gnomAD exomes 0.00002 and 0.00007; ExAC 0.00007; 1000 Genomes Project 30x 0.00031; 1000 Genomes Project 0.00040.
gnomAD v4.1: 29 of 1,600,828 alleles (0.0018%); highest among the groups gnomAD compares: South Asian, 0.031%; no homozygotes.

Submission:

Labcorp Genetics (formerly Invitae), Labcorp
Classification: Uncertain significance for Familial hemophagocytic lymphohistiocytosis 5. Last evaluated: 2022-07-06. Review status: criteria provided, single submitter. Criteria: Invitae Variant Classification Sherloc (09022015). Collection method: clinical testing. Allele origin: germline.
Comment: This sequence change replaces tryptophan, which is neutral and slightly polar, with arginine, which is basic and polar, at codon 561 of the STXBP2 protein (p.Trp561Arg). This variant is present in population databases (rs202167383, gnomAD 0.05%). This variant has not been reported in the literature in individuals affected with STXBP2-related conditions. ClinVar contains an entry for this variant (Variation ID: 1041903). Algorithms developed to predict the effect of missense changes on protein structure and function are either unavailable or do not agree on the potential impact of this missense change (SIFT: "Tolerated"; PolyPhen-2: "Probably Damaging"; Align-GVGD: "Class C0"). In summary, the available evidence is currently insufficient to determine the role of this variant in disease. Therefore, it has been classified as a Variant of Uncertain Significance.